The following is an entry in ClinVar:

ClinVar aggregate classification (germline): Conflicting classifications of pathogenicity. Review status: criteria provided, conflicting classifications (1 of 4 stars). 5 submissions from 1 submitter: Uncertain significance (3); Likely benign (2). Last evaluated 2018-01-13.

Conditions:
Tibial muscular dystrophy (TMD). Also called: Tibial muscular dystrophy, tardive; UDD MYOPATHY; Udd Distal Myopathy – Tibial Muscular Dystrophy. Identifiers: Orphanet 609, MedGen C1838244, MONDO:0010870, OMIM 600334.
Early-onset myopathy with fatal cardiomyopathy (CMYO5). Also called: CONGENITAL MYOPATHY 5 WITH CARDIOMYOPATHY; Salih Myopathy. Identifiers: Orphanet 289377, MedGen C2673677, MONDO:0012714, OMIM 611705. Disease mechanism: loss of function.
Autosomal recessive limb-girdle muscular dystrophy type 2J (LGMDR10). Also called: Limb-girdle muscular dystrophy, type 2J; MUSCULAR DYSTROPHY, LIMB-GIRDLE, AUTOSOMAL RECESSIVE 10. Identifiers: Orphanet 140922, MedGen C1837342, MONDO:0012127, OMIM 608807.
Myopathy, myofibrillar, 9, with early respiratory failure (MFM9). Also called: EDSTROM MYOPATHY; MYOPATHY, PROXIMAL, WITH EARLY RESPIRATORY MUSCLE INVOLVEMENT; Myopathy, distal, with early respiratory failure, autosomal dominant; Hereditary myopathy with early respiratory failure. Identifiers: Orphanet 178464, Orphanet 34521, MedGen C1863599, MONDO:0011362, OMIM 603689.
Dilated cardiomyopathy 1G (CMD1G). Identifiers: Orphanet 154, MedGen C1858763, MONDO:0011400, OMIM 604145.

Allele frequency attached by ClinVar (database versions not stated): gnomAD 0.00001 and 0.00002; gnomAD exomes 0.00001; ExAC 0.00002; TOPMed 0.00002; ESP Exome Variant Server 0.00008.
gnomAD v4.1: 21 of 1,613,686 alleles (0.0013%); highest among the groups gnomAD compares: Non-Finnish European, 0.0018%; no homozygotes.

Submissions (5):

Illumina Laboratory Services, Illumina
Classification: Likely benign for Tibial muscular dystrophy. Last evaluated: 2018-01-13. Review status: criteria provided, single submitter. Criteria: ICSL Variant Classification Criteria 13 December 2019. Collection method: clinical testing. Allele origin: germline.
Comment: This variant was observed in the ICSL laboratory as part of a predisposition screen in an ostensibly healthy population. It had not been previously curated by ICSL or reported in the Human Gene Mutation Database (HGMD: prior to June 1st, 2018), and was therefore a candidate for classification through an automated scoring system. Utilizing variant allele frequency, disease prevalence and penetrance estimates, and inheritance mode, an automated score was calculated to assess if this variant is too frequent to cause the disease. Based on the score and internal cut-off values, a variant classified as likely benign is not then subjected to further curation. The score for this variant resulted in a classification of likely benign for this disease.

Illumina Laboratory Services, Illumina
Classification: Uncertain significance for Early-onset myopathy with fatal cardiomyopathy. Last evaluated: 2018-01-13. Review status: criteria provided, single submitter. Criteria: ICSL Variant Classification Criteria 13 December 2019. Collection method: clinical testing. Allele origin: germline.

Illumina Laboratory Services, Illumina
Classification: Uncertain significance for Autosomal recessive limb-girdle muscular dystrophy type 2J. Last evaluated: 2018-01-13. Review status: criteria provided, single submitter. Criteria: ICSL Variant Classification Criteria 13 December 2019. Collection method: clinical testing. Allele origin: germline.

Illumina Laboratory Services, Illumina
Classification: Likely benign for Myopathy, myofibrillar, 9, with early respiratory failure. Last evaluated: 2018-01-13. Review status: criteria provided, single submitter. Criteria: ICSL Variant Classification Criteria 13 December 2019. Collection method: clinical testing. Allele origin: germline.
Comment: the same text as in the submission from Illumina Laboratory Services, Illumina above.

Illumina Laboratory Services, Illumina
Classification: Uncertain significance for Dilated cardiomyopathy 1G. Last evaluated: 2018-01-13. Review status: criteria provided, single submitter. Criteria: ICSL Variant Classification Criteria 13 December 2019. Collection method: clinical testing. Allele origin: germline.

NM_001267550.2(TTN):c.26350T>C (p.Trp8784Arg)

Gene: TTN (titin; minus strand). Cytogenetic location: 2q31.2.
Variant type: single nucleotide variant.
Coding change: c.26350T>C on transcript NM_001267550.2 (MANE Select); coding-DNA position 26350, T replaced by C.
Protein change: p.Trp8784Arg; replaces tryptophan 8784 with arginine.
Molecular consequence: missense variant. On other transcripts: intron variant (3).
Genome position (GRCh38, 1-based): chr2:178,714,424, A>G on the plus strand (T>C on the coding strand, the complement: TTN is on the minus strand). VCF-style: chr2-178714424-A-G. GRCh37 (hg19) VCF-style: chr2-179579151-A-G.
Other names: c.25399T>C, p.Trp8467Arg (NM_001256850.1); c.22618T>C, p.Trp7540Arg (NM_133378.4); c.13282+23658T>C (NM_003319.4); c.13858+23658T>C (NM_133437.4); c.13657+23658T>C (NM_133432.3); short protein forms W8467R, W7540R, W8784R.
Identifiers: ClinVar variation 892653 (VCV000892653.4), dbSNP rs375067750, ClinGen allele CA2000021.
Genomic context (GRCh38, chr2:178,714,424, plus strand): 5'-CATTGGCTGGTTCCACTCTTGAAAACTGTAAGGTTGCAATGTTTTCTGAATAAGAAATCC[A>G]TATGTTGTCACTTTCTCTAACGATTTCTCCCTTATCTTTGAACCACACCACTGAAATGGG-3'
Protein context (NP_001254479.2, residues 8774-8794): GEIVRESDNI[Trp8784Arg]ISYSENIATL